The following is an entry in ClinVar:

NM_001079.4(ZAP70):c.574C>T (p.Arg192Trp)

Gene: ZAP70 (zeta chain of T cell receptor associated protein kinase 70; plus strand). Cytogenetic location: 2q11.2.
Variant type: single nucleotide variant.
Coding change: c.574C>T on transcript NM_001079.4 (MANE Select); coding-DNA position 574, C replaced by T.
Protein change: p.Arg192Trp; replaces arginine 192 with tryptophan.
Molecular consequence: missense variant.
Genome position (GRCh38, 1-based): chr2:97,732,893, C>T. VCF-style: chr2-97732893-C-T. GRCh37 (hg19) VCF-style: chr2-98349356-C-T.
Other names: c.574C>T, p.Arg192Trp (NM_001378594.1); short protein forms R192W.
Identifiers: ClinVar variation 222951 (VCV000222951.19), dbSNP rs199840952, ClinGen allele CA070999.

ClinVar aggregate classification (germline): Conflicting classifications of pathogenicity. Review status: criteria provided, conflicting classifications (1 of 4 stars). 4 submissions from 4 submitters: Pathogenic (1); Uncertain significance (1). 2 of the submissions do not count toward it. Last evaluated 2024-02-24.

Conditions:
Autoimmune disease, multisystem, infantile-onset, 2 (ADMIO2). Identifiers: MedGen C4310768, MONDO:0014861, OMIM 617006.
Combined immunodeficiency. Also called: Combined T and B cell immunodeficiency; Congenital combined immunodeficiency. Identifiers: Orphanet 101972, MedGen C2711630, MONDO:0015131, HP:0005387.
Combined immunodeficiency due to ZAP70 deficiency (IMD48). Also called: ZAP70 Deficiency; Immunodeficiency 48. Identifiers: Orphanet 911, MedGen C2931299, MONDO:0010023, OMIM 269840.

Allele frequency attached by ClinVar (database versions not stated): gnomAD exomes 0.00001; TOPMed below 0.00001; gnomAD 0.00001; ExAC 0.00004.
gnomAD v4.1: 8 of 1,613,784 alleles (0.0005%); highest among the groups gnomAD compares: Admixed American, 0.0083%; no homozygotes.

Submissions (4):

Labcorp Genetics (formerly Invitae), Labcorp
Classification: Uncertain significance for Combined immunodeficiency due to ZAP70 deficiency. Last evaluated: 2024-02-24. Review status: criteria provided, single submitter. Criteria: Invitae Variant Classification Sherloc (09022015). Collection method: clinical testing. Allele origin: germline.
Comment: This sequence change replaces arginine, which is basic and polar, with tryptophan, which is neutral and slightly polar, at codon 192 of the ZAP70 protein (p.Arg192Trp). This variant is present in population databases (rs199840952, gnomAD 0.006%). This missense change has been observed in individual(s) with immunodeficiency and/or severe autoimmune syndrome (PMID: 26783323, 37313400). ClinVar contains an entry for this variant (Variation ID: 222951). An algorithm developed to predict the effect of missense changes on protein structure and function (PolyPhen-2) suggests that this variant is likely to be tolerated. Experimental studies have shown that this missense change affects ZAP70 function (PMID: 26783323). In summary, the available evidence is currently insufficient to determine the role of this variant in disease. Therefore, it has been classified as a Variant of Uncertain Significance.

Puck Laboratory, University of California, San Francisco
Classification: Pathogenic for Combined immunodeficiency. Last evaluated: 2015-10-01. Review status: criteria provided, single submitter. Criteria: Chan et al. (J Exp Med 2016). Collection method: research. Allele origin: maternal, unknown. Inheritance: Autosomal recessive inheritance. Affected: yes and no. Observed: 3 variant alleles, 1 heterozygote, 2 compound heterozygotes. Clinical features observed: bullous pemphigoid, colitis, proteinuria, nephrotic syndrome, hemophilia.

OMIM
Classification: Pathogenic for AUTOIMMUNE DISEASE, MULTISYSTEM, INFANTILE-ONSET, 2 (1 family). Last evaluated: 2020-05-27. Review status: no assertion criteria provided. Collection method: literature only. Allele origin: germline. Not counted in ClinVar's aggregate classification.

GeneReviews
No classification provided. Condition: Combined immunodeficiency due to ZAP70 deficiency. Review status: no classification provided. Collection method: literature only. Allele origin: germline. Not counted in ClinVar's aggregate classification.

Literature cited by the submitters: PubMed 26783323 (cited by Labcorp Genetics (formerly Invitae), Labcorp and OMIM); PubMed 37313400 (cited by Labcorp Genetics (formerly Invitae), Labcorp); PubMed 25627829 (cited by Puck Laboratory, University of California, San Francisco); NCBI Bookshelf NBK20221 (cited by GeneReviews); PubMed 20301777 (cited by GeneReviews).